The following is an entry in ClinVar:

NM_007347.5(AP4E1):c.1694C>T (p.Ala565Val)

Gene: AP4E1 (adaptor related protein complex 4 subunit epsilon 1; plus strand). Cytogenetic location: 15q21.2.
Variant type: single nucleotide variant.
Coding change: c.1694C>T on transcript NM_007347.5 (MANE Select); coding-DNA position 1694, C replaced by T.
Protein change: p.Ala565Val; replaces alanine 565 with valine.
Molecular consequence: missense variant.
Genome position (GRCh38, 1-based): chr15:50,958,637, C>T. VCF-style: chr15-50958637-C-T. GRCh37 (hg19) VCF-style: chr15-51250834-C-T.
Other names: c.1694C>T (NM_007347.3); c.1469C>T, p.Ala490Val (NM_001252127.2); short protein forms A565V, A490V.
Identifiers: ClinVar variation 568340 (VCV000568340.36), dbSNP rs142762839, ClinGen allele CA7559138.

ClinVar aggregate classification (germline): Conflicting classifications of pathogenicity. Review status: criteria provided, conflicting classifications (1 of 4 stars). 5 submissions from 5 submitters: Uncertain significance (3); Likely benign (2). Last evaluated 2026-06-01.

Conditions:
Neurodevelopmental delay. Identifiers: MedGen C4022738, HP:0012758.
Inborn genetic diseases. Identifiers: MedGen C0950123, MeSH D030342.
Spastic paraplegia. Identifiers: MedGen C0037772, HP:0001258.
Hereditary spastic paraplegia. Also called: Familial spastic paraparesis. Identifiers: Orphanet 685, MedGen C0037773, MONDO:0019064. Disease mechanism: loss of function.

Allele frequency attached by ClinVar (database versions not stated): 1000 Genomes Project 30x 0.00016; TOPMed 0.00019; 1000 Genomes Project 0.00020.
gnomAD v4.1: 349 of 1,614,132 alleles (0.022%); highest among the groups gnomAD compares: East Asian, 0.082%; 1 homozygote.

Submissions (6):

CeGaT Center for Human Genetics Tuebingen
Classification: Likely benign. Last evaluated: 2026-06-01. Review status: criteria provided, single submitter. Criteria: CeGaT Center For Human Genetics Tuebingen Variant Classification Criteria Version 2. Collection method: clinical testing. Allele origin: germline. Affected: yes. Observed: 3 variant alleles.
Comment: AP4E1: BP4

Ambry Genetics
Classification: Likely benign for Inborn genetic diseases. Last evaluated: 2024-05-03. Review status: criteria provided, single submitter. Criteria: Ambry Variant Classification Scheme 2023. Collection method: clinical testing. Allele origin: germline.

Labcorp Genetics (formerly Invitae), Labcorp
Classification: Uncertain significance for Spastic paraplegia. Last evaluated: 2023-12-09. Review status: criteria provided, single submitter. Criteria: Invitae Variant Classification Sherloc (09022015). Collection method: clinical testing. Allele origin: germline.
Comment: This sequence change replaces alanine, which is neutral and non-polar, with valine, which is neutral and non-polar, at codon 565 of the AP4E1 protein (p.Ala565Val). This variant is present in population databases (rs142762839, gnomAD 0.08%). This variant has not been reported in the literature in individuals affected with AP4E1-related conditions. ClinVar contains an entry for this variant (Variation ID: 568340). Algorithms developed to predict the effect of missense changes on protein structure and function output the following: SIFT: "Not Available"; PolyPhen-2: "Benign"; Align-GVGD: "Not Available". The valine amino acid residue is found in multiple mammalian species, which suggests that this missense change does not adversely affect protein function. In summary, the available evidence is currently insufficient to determine the role of this variant in disease. Therefore, it has been classified as a Variant of Uncertain Significance.

Genome Diagnostics Laboratory, The Hospital for Sick Children
Classification: Uncertain significance for Hereditary spastic paraplegia. Last evaluated: 2022-01-28. Review status: criteria provided, single submitter. Criteria: ACMG Guidelines, 2015. Collection method: clinical testing. Allele origin: germline. Affected: yes.

Kariminejad - Najmabadi Pathology & Genetics Center
Classification: Uncertain significance for Neurodevelopmental delay. Last evaluated: 2018-09-01. Review status: criteria provided, single submitter. Criteria: ACMG Guidelines, 2015. Collection method: clinical testing. Allele origin: germline. Affected: yes.

Dr. Peter K. Rogan Lab, Western University
No classification provided (evidence only). Condition: Clear cell carcinoma of kidney. Review status: no classification provided. Collection method: in vitro. Allele origin: not applicable. Functional consequence: retained intron. Not counted in ClinVar's aggregate classification.